The following is an entry in ClinVar:

ClinVar aggregate classification (germline): Likely benign (1 of 4 stars; one submission).

Allele frequency attached by ClinVar (database versions not stated): gnomAD exomes 0.00001; ExAC 0.00001.
gnomAD v4.1: 9 of 1,609,642 alleles (0.00056%); highest among the groups gnomAD compares: South Asian, 0.0033%; no homozygotes.

Submission:

GeneDx
Classification: Likely benign. Last evaluated: 2017-05-11. Review status: criteria provided, single submitter. Criteria: GeneDx Variant Classification (06012015). Collection method: clinical testing. Allele origin: germline. Affected: yes.
Comment: This variant is considered likely benign or benign based on one or more of the following criteria: it is a conservative change, it occurs at a poorly conserved position in the protein, it is predicted to be benign by multiple in silico algorithms, and/or has population frequency not consistent with disease.

NM_020774.4(MIB1):c.1245C>G (p.Leu415=)

Gene: MIB1 (MIB E3 ubiquitin protein ligase 1; plus strand). Cytogenetic location: 18q11.2.
Variant type: single nucleotide variant.
Coding change: c.1245C>G on transcript NM_020774.4 (MANE Select); coding-DNA position 1245, C replaced by G.
Protein change: p.Leu415=; no amino-acid change (leucine 415 retained).
Molecular consequence: synonymous variant.
Genome position (GRCh38, 1-based): chr18:21,799,848, C>G. VCF-style: chr18-21799848-C-G. GRCh37 (hg19) VCF-style: chr18-19379809-C-G.
Identifiers: ClinVar variation 509596 (VCV000509596.1), dbSNP rs768457898, ClinGen allele CA8908253.